The following is an entry in ClinVar:

NM_000038.6(APC):c.1291A>T (p.Met431Leu)

Gene: APC (APC regulator of Wnt signaling pathway; plus strand). Cytogenetic location: 5q22.2.
Variant type: single nucleotide variant.
Coding change: c.1291A>T on transcript NM_000038.6 (MANE Select); coding-DNA position 1291, A replaced by T.
Protein change: p.Met431Leu; replaces methionine 431 with leucine.
Molecular consequence: missense variant.
Genome position (GRCh38, 1-based): chr5:112,819,323, A>T. VCF-style: chr5-112819323-A-T. GRCh37 (hg19) VCF-style: chr5-112155020-A-T.
Other names: c.1291A>T, p.Met431Leu (NM_001127510.3, NM_001354895.2, NM_001354896.2); c.1237A>T, p.Met413Leu (NM_001127511.3); c.1321A>T, p.Met441Leu (NM_001354897.2); c.1216A>T, p.Met406Leu (NM_001354898.2); c.1207A>T, p.Met403Leu (NM_001354899.2); c.1114A>T, p.Met372Leu (NM_001354900.2, NM_001354901.2); c.1018A>T, p.Met340Leu (NM_001354902.2); c.988A>T, p.Met330Leu (NM_001354903.2); and 3 more; short protein forms M305L, M403L, M271L, M330L, M413L, M441L, M148L, M406L.
Identifiers: ClinVar variation 818820 (VCV000818820.9), dbSNP rs730881235, ClinGen allele CA16024132.

ClinVar aggregate classification (germline): Uncertain significance. Review status: criteria provided, multiple submitters, no conflicts (2 of 4 stars). 2 submissions from 2 submitters: Uncertain significance (2). Last evaluated 2022-04-01.

Conditions:
Hereditary cancer-predisposing syndrome. Also called: Tumor predisposition; Hereditary neoplastic syndrome; Neoplastic Syndromes, Hereditary; Hereditary Cancer Syndrome. Identifiers: Orphanet 140162, MedGen C0027672, MeSH D009386, MONDO:0015356.
Familial adenomatous polyposis 1 (FAP1). Also called: FAMILIAL ADENOMATOUS POLYPOSIS 1, ATTENUATED; POLYPOSIS, ADENOMATOUS INTESTINAL. Identifiers: MedGen C2713442, MONDO:0021056, OMIM 175100. Disease mechanism: loss of function.

Submissions (2):

Labcorp Genetics (formerly Invitae), Labcorp
Classification: Uncertain significance for Familial adenomatous polyposis 1. Last evaluated: 2022-04-01. Review status: criteria provided, single submitter. Criteria: Invitae Variant Classification Sherloc (09022015). Collection method: clinical testing. Allele origin: germline.
Comment: Algorithms developed to predict the effect of missense changes on protein structure and function output the following: SIFT: "Tolerated"; PolyPhen-2: "Benign"; Align-GVGD: "Class C0". The leucine amino acid residue is found in multiple mammalian species, which suggests that this missense change does not adversely affect protein function. In summary, the available evidence is currently insufficient to determine the role of this variant in disease. Therefore, it has been classified as a Variant of Uncertain Significance. ClinVar contains an entry for this variant (Variation ID: 818820). This variant has not been reported in the literature in individuals affected with APC-related conditions. This variant is not present in population databases (gnomAD no frequency). This sequence change replaces methionine, which is neutral and non-polar, with leucine, which is neutral and non-polar, at codon 431 of the APC protein (p.Met431Leu).

Ambry Genetics
Classification: Uncertain significance for Hereditary cancer-predisposing syndrome. Last evaluated: 2019-11-04. Review status: criteria provided, single submitter. Criteria: Ambry Variant Classification Scheme 2023. Collection method: clinical testing. Allele origin: germline.
Comment: The p.M431L variant (also known as c.1291A>T), located in coding exon 9 of the APC gene, results from an A to T substitution at nucleotide position 1291. The methionine at codon 431 is replaced by leucine, an amino acid with highly similar properties. This amino acid position is not well conserved in available vertebrate species. In addition, in silico predictors for this gene do not accurately predict pathogenicity. Since supporting evidence is limited at this time, the clinical significance of this alteration remains unclear.